The following is an entry in ClinVar:

NM_001283009.2(RTEL1):c.3322G>A (p.Glu1108Lys)

Genes: RTEL1 (regulator of telomere elongation helicase 1; plus strand), RTEL1-TNFRSF6B (RTEL1-TNFRSF6B readthrough (NMD candidate); plus strand). Cytogenetic location: 20q13.33.
Variant type: single nucleotide variant.
Coding change: c.3322G>A on transcript NM_001283009.2 (MANE Select); coding-DNA position 3322, G replaced by A.
Protein change: p.Glu1108Lys; replaces glutamic acid 1108 with lysine.
Molecular consequence: missense variant. On other transcripts: non-coding transcript variant (1).
Genome position (GRCh38, 1-based): chr20:63,694,953, G>A. VCF-style: chr20-63694953-G-A. GRCh37 (hg19) VCF-style: chr20-62326306-G-A.
Other names: c.2653G>A, p.Glu885Lys (NM_001283010.1); c.3322G>A, p.Glu1108Lys (NM_016434.4); c.3394G>A, p.Glu1132Lys (NM_032957.5); short protein forms E1132K, E1108K, E885K.
Identifiers: ClinVar variation 956011 (VCV000956011.10), dbSNP rs945952564, ClinGen allele CA409685181.

ClinVar aggregate classification (germline): Uncertain significance (1 of 4 stars; one submission).

Conditions:
Pulmonary fibrosis and/or bone marrow failure, Telomere-related, 3. Also called: PULMONARY FIBROSIS AND/OR BONE MARROW FAILURE SYNDROME, TELOMERE-RELATED, 3. Identifiers: Orphanet 2032, MedGen C4225346, MONDO:0014613, OMIM 616373.
Dyskeratosis congenita, autosomal recessive 5 (DKCB5). Identifiers: MedGen C3554656, MONDO:0014076, OMIM 615190.

Submission:

Labcorp Genetics (formerly Invitae), Labcorp
Classification: Uncertain significance for Dyskeratosis congenita, autosomal recessive 5; Pulmonary fibrosis and/or bone marrow failure, Telomere-related, 3. Last evaluated: 2022-07-11. Review status: criteria provided, single submitter. Criteria: Invitae Variant Classification Sherloc (09022015). Collection method: clinical testing. Allele origin: germline.
Comment: In summary, the available evidence is currently insufficient to determine the role of this variant in disease. Therefore, it has been classified as a Variant of Uncertain Significance. Algorithms developed to predict the effect of missense changes on protein structure and function are either unavailable or do not agree on the potential impact of this missense change (SIFT: "Tolerated"; PolyPhen-2: "Possibly Damaging"; Align-GVGD: "Class C0"). ClinVar contains an entry for this variant (Variation ID: 956011). This variant has not been reported in the literature in individuals affected with RTEL1-related conditions. This variant is not present in population databases (gnomAD no frequency). This sequence change replaces glutamic acid, which is acidic and polar, with lysine, which is basic and polar, at codon 1108 of the RTEL1 protein (p.Glu1108Lys).